The following is an entry in ClinVar:

ClinVar aggregate classification (germline): Uncertain significance (1 of 4 stars; one submission).

Conditions:
Inborn genetic diseases. Identifiers: MedGen C0950123, MeSH D030342.

Submission:

Ambry Genetics
Classification: Uncertain significance for Inborn genetic diseases. Last evaluated: 2025-10-23. Review status: criteria provided, single submitter. Criteria: Ambry Variant Classification Scheme 2023. Collection method: clinical testing. Allele origin: germline.
Comment: The p.K198E variant (also known as c.592A>G), located in coding exon 5 of the PAX5 gene, results from an A to G substitution at nucleotide position 592. The lysine at codon 198 is replaced by glutamic acid, an amino acid with similar properties. This amino acid position is conserved. In addition, this alteration is predicted to be deleterious by in silico analysis. Based on the available evidence, the clinical significance of this variant remains unclear.

NM_016734.3(PAX5):c.592A>G (p.Lys198Glu)

Genes: PAX5 (paired box 5; minus strand), LOC105376032 (uncharacterized LOC105376032; plus strand). Cytogenetic location: 9p13.2.
Variant type: single nucleotide variant.
Coding change: c.592A>G on transcript NM_016734.3 (MANE Select); coding-DNA position 592, A replaced by G.
Protein change: p.Lys198Glu; replaces lysine 198 with glutamic acid.
Molecular consequence: missense variant. On other transcripts: non-coding transcript variant (2), intron variant (2).
Genome position (GRCh38, 1-based): chr9:37,002,660, T>C on the plus strand (A>G on the coding strand, the complement: PAX5 is on the minus strand). VCF-style: chr9-37002660-T-C. GRCh37 (hg19) VCF-style: chr9-37002657-T-C.
Other names: c.592A>G, p.Lys198Glu (NM_001280547.2, NM_001280548.2, NM_001280549.2 and 2 more transcripts); c.268A>G, p.Lys90Glu (NM_001280551.2, NM_001280556.2); c.394A>G, p.Lys132Glu (NM_001280555.2); c.475+3813A>G (NM_001280553.2, NM_001280554.2); short protein forms K198E, K90E, K132E.
Identifiers: ClinVar variation 4626951 (VCV004626951.1).